The following is an entry in ClinVar:

ClinVar aggregate classification (germline): Uncertain significance (1 of 4 stars; one submission).

Submission:

GeneDx
Classification: Uncertain significance. Last evaluated: 2022-12-19. Review status: criteria provided, single submitter. Criteria: GeneDx Variant Classification Process June 2021. Collection method: clinical testing. Allele origin: germline. Affected: yes.
Comment: Not observed at significant frequency in large population cohorts (gnomAD); In silico analysis supports that this missense variant does not alter protein structure/function; Has not been previously published as pathogenic or benign to our knowledge; Reported using an alternate transcript of the gene

NM_001243197.2(IQSEC2):c.73G>C (p.Val25Leu)

Gene: IQSEC2 (IQ motif and Sec7 domain ArfGEF 2; minus strand). Cytogenetic location: Xp11.22.
Variant type: single nucleotide variant.
Coding change: c.73G>C on transcript NM_001243197.2 (MANE Plus Clinical); coding-DNA position 73, G replaced by C.
Protein change: p.Val25Leu; replaces valine 25 with leucine.
Molecular consequence: missense variant. On other transcripts: intron variant (2).
Genome position (GRCh38, 1-based): chrX:53,279,613, C>G on the plus strand (G>C on the coding strand, the complement: IQSEC2 is on the minus strand). VCF-style: chrX-53279613-C-G. GRCh37 (hg19) VCF-style: chrX-53308795-C-G.
Other names: c.73G>C, p.Val25Leu (NM_015075.2); c.737+12282G>C (NM_001410736.1, NM_001111125.3); short protein forms V25L.
Identifiers: ClinVar variation 2505772 (VCV002505772.1), dbSNP rs2520106652, ClinGen allele CA413174118.